The following is an entry in ClinVar:

NM_001098484.3(SLC4A4):c.551-2A>G

Gene: SLC4A4 (solute carrier family 4 member 4; plus strand). Cytogenetic location: 4q13.3.
Variant type: single nucleotide variant.
Coding change: c.551-2A>G on transcript NM_001098484.3 (MANE Select); the canonical splice acceptor site of the intron before coding-DNA position 551, A replaced by G.
Molecular consequence: splice acceptor variant.
Genome position (GRCh38, 1-based): chr4:71,357,006, A>G. VCF-style: chr4-71357006-A-G. GRCh37 (hg19) VCF-style: chr4-72222723-A-G.
Other names: c.566-2A>G (NM_001440628.1); c.551-2A>G (NM_001134742.2); c.644-2A>G (NM_001440629.1); c.419-2A>G (NM_003759.4).
Identifiers: ClinVar variation 4721003 (VCV004721003.1).

ClinVar aggregate classification (germline): Likely pathogenic (1 of 4 stars; one submission).

Submission:

Labcorp Genetics (formerly Invitae), Labcorp
Classification: Likely pathogenic. Last evaluated: 2025-06-23. Review status: criteria provided, single submitter. Criteria: Invitae Variant Classification Sherloc (09022015). Collection method: clinical testing. Allele origin: germline.
Comment: This sequence change affects an acceptor splice site in intron 2 of the SLC4A4 gene. It is expected to disrupt RNA splicing. Variants that disrupt the donor or acceptor splice site typically lead to a loss of protein function (PMID: 16199547), and loss-of-function variants in SLC4A4 are known to be pathogenic (PMID: 11274232, 15085340, 21228764). This variant is present in population databases (no rsID available, gnomAD 0.0009%). This variant has not been reported in the literature in individuals affected with SLC4A4-related conditions. Algorithms developed to predict the effect of sequence changes on RNA splicing suggest that this variant may disrupt the consensus splice site. In summary, the currently available evidence indicates that the variant is pathogenic, but additional data are needed to prove that conclusively. Therefore, this variant has been classified as Likely Pathogenic.

Literature cited by the submitters: PubMed 16199547; PubMed 11274232; PubMed 15085340; PubMed 21228764.